The following is an entry in ClinVar:

NM_001256789.3(CACNA1F):c.468C>A (p.Ser156Arg)

Gene: CACNA1F (calcium voltage-gated channel subunit alpha1 F; minus strand). Cytogenetic location: Xp11.23.
Variant type: single nucleotide variant.
Coding change: c.468C>A on transcript NM_001256789.3 (MANE Select); coding-DNA position 468, C replaced by A.
Protein change: p.Ser156Arg; replaces serine 156 with arginine.
Molecular consequence: missense variant.
Genome position (GRCh38, 1-based): chrX:49,230,903, G>T on the plus strand (C>A on the coding strand, the complement: CACNA1F is on the minus strand). VCF-style: chrX-49230903-G-T. GRCh37 (hg19) VCF-style: chrX-49087365-G-T.
Other names: c.273C>A, p.Ser91Arg (NM_001256790.3); c.468C>A, p.Ser156Arg (NM_005183.4); short protein forms S91R, S156R.
Identifiers: ClinVar variation 2907479 (VCV002907479.3), dbSNP rs1557111180, ClinGen allele CA412925968.

ClinVar aggregate classification (germline): Uncertain significance (1 of 4 stars; one submission).

Submission:

Labcorp Genetics (formerly Invitae), Labcorp
Classification: Uncertain significance. Last evaluated: 2025-03-17. Review status: criteria provided, single submitter. Criteria: Invitae Variant Classification Sherloc (09022015). Collection method: clinical testing. Allele origin: germline.
Comment: This sequence change replaces serine, which is neutral and polar, with arginine, which is basic and polar, at codon 156 of the CACNA1F protein (p.Ser156Arg). This variant is not present in population databases (gnomAD no frequency). This variant has not been reported in the literature in individuals affected with CACNA1F-related conditions. ClinVar contains an entry for this variant (Variation ID: 2907479). Invitae Evidence Modeling of protein sequence and biophysical properties (such as structural, functional, and spatial information, amino acid conservation, physicochemical variation, residue mobility, and thermodynamic stability) indicates that this missense variant is not expected to disrupt CACNA1F protein function with a negative predictive value of 80%. In summary, the available evidence is currently insufficient to determine the role of this variant in disease. Therefore, it has been classified as a Variant of Uncertain Significance.